The following is an entry in ClinVar:

NM_021930.6(RINT1):c.2124G>T (p.Met708Ile)

Genes: EFCAB10 (EF-hand calcium binding domain 10; minus strand), RINT1 (RAD50 interactor 1; plus strand). Cytogenetic location: 7q22.3.
Variant type: single nucleotide variant.
Coding change: c.2124G>T on transcript NM_021930.6 (MANE Select); coding-DNA position 2124, G replaced by T.
Protein change: p.Met708Ile; replaces methionine 708 with isoleucine.
Molecular consequence: missense variant. On other transcripts: nonsense (1), non-coding transcript variant (1), intron variant (2).
Genome position (GRCh38, 1-based): chr7:105,565,586, G>T. VCF-style: chr7-105565586-G-T. GRCh37 (hg19) VCF-style: chr7-105206033-G-T.
Other names: c.413C>A, p.Ser138Ter (NM_001355530.2); c.1890G>T, p.Met630Ile (NM_001346599.2); c.1101G>T, p.Met367Ile (NM_001346600.2, NM_001346603.2); c.1200G>T, p.Met400Ile (NM_001346601.2); c.360-139C>A (NM_001355531.2); c.384-139C>A (NM_001355526.2); short protein forms M367I, M400I, M630I, M708I, S138*.
Identifiers: ClinVar variation 1786299 (VCV001786299.3), dbSNP rs1247579426, ClinGen allele CA368815181.

ClinVar aggregate classification (germline): Uncertain significance (1 of 4 stars; one submission).

Allele frequency attached by ClinVar (database versions not stated): TOPMed 0.00001.
gnomAD v4.1: 2 of 1,613,950 alleles (0.00012%); highest among the groups gnomAD compares: Admixed American, 0.0033%; no homozygotes.

Submission:

Ambry Genetics
Classification: Uncertain significance. Last evaluated: 2025-04-19. Review status: criteria provided, single submitter. Criteria: Ambry Variant Classification Scheme 2023. Collection method: clinical testing. Allele origin: germline.
Comment: The p.M708I variant (also known as c.2124G>T), located in coding exon 14 of the RINT1 gene, results from a G to T substitution at nucleotide position 2124. The methionine at codon 708 is replaced by isoleucine, an amino acid with highly similar properties. This amino acid position is conserved. In addition, the in silico prediction for this alteration is inconclusive. Since supporting evidence is limited at this time, the clinical significance of this alteration remains unclear.